The following is an entry in ClinVar:

NM_001267550.2(TTN):c.21833_21834del (p.Ile7278fs)

Gene: TTN (titin; minus strand). Cytogenetic location: 2q31.2.
Variant type: Deletion.
Coding change: c.21833_21834del on transcript NM_001267550.2 (MANE Select); coding-DNA positions 21833 to 21834, 2 bases deleted (TA; older notation c.21833_21834delTA).
Protein change: p.Ile7278fs; shifts the reading frame from isoleucine 7278.
Molecular consequence: frameshift variant. On other transcripts: intron variant (3).
Genome position (GRCh38, 1-based): chr2:178,723,173-178,723,174, TA deleted on the plus strand (TA on the coding strand, the reverse complement: TTN is on the minus strand); deleting any 2 consecutive bases within chr2:178,723,173-178,723,175 gives the same sequence; the c. name uses the placement nearest the transcript's 3' end. VCF-style (leftmost placement, unchanged base first): chr2-178723172-CTA-C. GRCh37 (hg19) VCF-style: chr2-179587899-CTA-C.
Other names: c.21833_21834del (NM_001267550.1); c.20882_20883del, p.Ile6961fs (NM_001256850.1); c.18101_18102del, p.Ile6034fs (NM_133378.4); c.13282+14908_13282+14909del (NM_003319.4); c.13858+14908_13858+14909del (NM_133437.4); c.13657+14908_13657+14909del (NM_133432.3); short protein forms I6034fs, I6961fs, I7278fs.
Identifiers: ClinVar variation 1484703 (VCV001484703.7), dbSNP rs2154302656, ClinGen allele CA2573133968.

ClinVar aggregate classification (germline): Conflicting classifications of pathogenicity. Review status: criteria provided, conflicting classifications (1 of 4 stars). 2 submissions from 2 submitters: Likely pathogenic (1); Uncertain significance (1). Last evaluated 2025-02-08.

Conditions:
Dilated cardiomyopathy 1G (CMD1G). Identifiers: Orphanet 154, MedGen C1858763, MONDO:0011400, OMIM 604145.
Autosomal recessive limb-girdle muscular dystrophy type 2J (LGMDR10). Also called: Limb-girdle muscular dystrophy, type 2J; MUSCULAR DYSTROPHY, LIMB-GIRDLE, AUTOSOMAL RECESSIVE 10. Identifiers: Orphanet 140922, MedGen C1837342, MONDO:0012127, OMIM 608807.

Submissions (2):

Labcorp Genetics (formerly Invitae), Labcorp
Classification: Likely pathogenic for Dilated cardiomyopathy 1G; Autosomal recessive limb-girdle muscular dystrophy type 2J. Last evaluated: 2025-02-08. Review status: criteria provided, single submitter. Criteria: Invitae Variant Classification Sherloc (09022015). Collection method: clinical testing. Allele origin: germline.
Comment: This sequence change creates a premature translational stop signal (p.Ile7278Serfs*14) in the TTN gene. While this is not anticipated to result in nonsense mediated decay, it is expected to create a truncated TTN protein. This variant is not present in population databases (gnomAD no frequency). This variant has not been reported in the literature in individuals affected with TTN-related conditions. ClinVar contains an entry for this variant (Variation ID: 1484703). This variant is located in the I band of TTN (PMID: 25589632). Truncating variants in this region have been reported in individuals affected with autosomal recessive centronuclear myopathy (PMID: 23975875, internal data). Truncating variants in this region have also been identified in individuals affected with autosomal dominant dilated cardiomyopathy and/or cardio-related conditions (PMID: 27869827, 32964742, internal data). In summary, the currently available evidence indicates that the variant is pathogenic, but additional data are needed to prove that conclusively. Therefore, this variant has been classified as Likely Pathogenic.

GeneDx
Classification: Uncertain significance. Last evaluated: 2024-08-06. Review status: criteria provided, single submitter. Criteria: GeneDx Variant Classification Process June 2021. Collection method: clinical testing. Allele origin: germline. Affected: yes.
Comment: Not observed at significant frequency in large population cohorts (gnomAD); Frameshift variant predicted to result in protein truncation or nonsense mediated decay in a gene or region of a gene for which loss of function is not a well-established mechanism of disease; Has not been previously published as pathogenic or benign to our knowledge

Literature cited by the submitters: PubMed 25589632 (cited by Labcorp Genetics (formerly Invitae), Labcorp); PubMed 23975875 (cited by Labcorp Genetics (formerly Invitae), Labcorp); PubMed 27869827 (cited by Labcorp Genetics (formerly Invitae), Labcorp); PubMed 32964742 (cited by Labcorp Genetics (formerly Invitae), Labcorp).